The following is an entry in ClinVar:

ClinVar aggregate classification (germline): Pathogenic/Likely pathogenic. Review status: criteria provided, multiple submitters, no conflicts (2 of 4 stars). 2 submissions from 2 submitters: Pathogenic (1); Likely pathogenic (1). Last evaluated 2025-09-08.

Conditions:
Central core myopathy (CMYO1A). Also called: CONGENITAL MYOPATHY 1A, AUTOSOMAL DOMINANT, WITH SUSCEPTIBILITY TO MALIGNANT HYPERTHERMIA; Central core disease; Myopathy, central fibrillar. Identifiers: Orphanet 597, MedGen C5830701, MONDO:0007294, OMIM 117000.
RYR1-related disorder. Also called: RYR1-related condition; RYR1-related disorders. Identifiers: MedGen CN239331.

Submissions (2):

Labcorp Genetics (formerly Invitae), Labcorp
Classification: Pathogenic for RYR1-related disorder. Last evaluated: 2025-09-08. Review status: criteria provided, single submitter. Criteria: Invitae Variant Classification Sherloc (09022015). Collection method: clinical testing. Allele origin: germline.
Comment: This sequence change replaces isoleucine, which is neutral and non-polar, with methionine, which is neutral and non-polar, at codon 4937 of the RYR1 protein (p.Ile4937Met). This variant is not present in population databases (gnomAD no frequency). This missense change has been observed in individual(s) with clinical features of autosomal dominant RYR1-related conditions (PMID: 35693006; internal data). In at least one individual the variant was observed to be de novo. It has also been observed to segregate with disease in related individuals. This variant has been reported in individual(s) with autosomal recessive congenital myopathy (internal data); however, the role of the variant in this condition is currently unclear. ClinVar contains an entry for this variant (Variation ID: 1341373). Invitae Evidence Modeling of protein sequence and biophysical properties (such as structural, functional, and spatial information, amino acid conservation, physicochemical variation, residue mobility, and thermodynamic stability) indicates that this missense variant is expected to disrupt RYR1 protein function with a positive predictive value of 80%. For these reasons, this variant has been classified as Pathogenic.

Pediatric Department, Peking University First Hospital
Classification: Likely pathogenic for Central core myopathy. Last evaluated: 2022-02-08. Review status: criteria provided, single submitter. Criteria: ACMG Guidelines, 2015. Collection method: provider interpretation. Allele origin: de novo. Affected: yes.

Literature cited by the submitters: PubMed 35693006 (cited by Labcorp Genetics (formerly Invitae), Labcorp).

NM_000540.3(RYR1):c.14811C>G (p.Ile4937Met)

Gene: RYR1 (ryanodine receptor 1; plus strand). Cytogenetic location: 19q13.2.
Variant type: single nucleotide variant.
Coding change: c.14811C>G on transcript NM_000540.3 (MANE Select); coding-DNA position 14811, C replaced by G.
Protein change: p.Ile4937Met; replaces isoleucine 4937 with methionine.
Molecular consequence: missense variant.
Genome position (GRCh38, 1-based): chr19:38,585,945, C>G. VCF-style: chr19-38585945-C-G. GRCh37 (hg19) VCF-style: chr19-39076585-C-G.
Other names: c.14796C>G, p.Ile4932Met (NM_001042723.2); short protein forms I4932M, I4937M.
Identifiers: ClinVar variation 1341373 (VCV001341373.9), dbSNP rs2145917373, ClinGen allele CA405692175.
Genomic context (GRCh38, chr19:38,585,945, plus strand): 5'-GGAGTCTGAACCAGGTCAGAGGTCGGGCACTGACTTGTGTCCTGCCACCCCAGGTCTGAT[C>G]ATCGACGCTTTTGGTGAGCTCCGAGACCAACAAGAGCAAGTGAAGGAGGATATGGAGGTA-3'
Protein context (NP_000531.2, residues 4927-4947): VILLAIIQGL[Ile4937Met]IDAFGELRDQ